The following is an entry in ClinVar:

ClinVar aggregate classification (germline): Benign. Review status: criteria provided, multiple submitters, no conflicts (2 of 4 stars). 2 submissions from 2 submitters: Benign (2). Last evaluated 2022-04-01.

Allele frequency attached by ClinVar (database versions not stated): gnomAD exomes 0.00004; gnomAD 0.00072 and 0.00075; TOPMed 0.00084; 1000 Genomes Project 30x 0.00094.
gnomAD v4.1: 162 of 1,212,874 alleles (0.013%); highest among the groups gnomAD compares: African/African-American, 0.23%; no homozygotes.

Submissions (2):

CeGaT Center for Human Genetics Tuebingen
Classification: Benign. Last evaluated: 2022-04-01. Review status: criteria provided, single submitter. Criteria: CeGaT Center For Human Genetics Tuebingen Variant Classification Criteria Version 2. Collection method: clinical testing. Allele origin: germline. Affected: yes. Observed: 1 variant allele.
Comment: SOX4: BS1, BS2

Labcorp Genetics (formerly Invitae), Labcorp
Classification: Benign. Last evaluated: 2018-10-10. Review status: criteria provided, single submitter. Criteria: Invitae Variant Classification Sherloc (09022015). Collection method: clinical testing. Allele origin: germline.

NM_003107.3(SOX4):c.687A>G (p.Ala229=)

Gene: SOX4 (SRY-box transcription factor 4; plus strand). Cytogenetic location: 6p22.3.
Variant type: single nucleotide variant.
Coding change: c.687A>G on transcript NM_003107.3 (MANE Select); coding-DNA position 687, A replaced by G.
Protein change: p.Ala229=; no amino-acid change (alanine 229 retained).
Molecular consequence: synonymous variant.
Genome position (GRCh38, 1-based): chr6:21,595,221, A>G. VCF-style: chr6-21595221-A-G. GRCh37 (hg19) VCF-style: chr6-21595452-A-G.
Identifiers: ClinVar variation 747015 (VCV000747015.27), dbSNP rs886107500, ClinGen allele CA135863652.
Genomic context (GRCh38, chr6:21,595,221, plus strand): 5'-TGGGGTTAGCAAACCGCACGCCAAGCTCATCCTGGCAGGCGGCGGCGGCGGCGGGAAAGC[A>G]GCGGCTGCCGCCGCCGCCTCCTTCGCCGCCGAACAGGCGGGGGCCGCCGCCCTGCTGCCC-3'
Protein context (NP_003098.1, residues 219-239): ILAGGGGGGK[Ala229=]AAAAAASFAA